The following is an entry in ClinVar:

NM_015909.4(NBAS):c.5599C>T (p.Pro1867Ser)

Gene: NBAS (NBAS subunit of NRZ tethering complex; minus strand). Cytogenetic location: 2p24.3.
Variant type: single nucleotide variant.
Coding change: c.5599C>T on transcript NM_015909.4 (MANE Select); coding-DNA position 5599, C replaced by T.
Protein change: p.Pro1867Ser; replaces proline 1867 with serine.
Molecular consequence: missense variant. On other transcripts: non-coding transcript variant (1).
Genome position (GRCh38, 1-based): chr2:15,275,609, G>A on the plus strand (C>T on the coding strand, the complement: NBAS is on the minus strand). VCF-style: chr2-15275609-G-A. GRCh37 (hg19) VCF-style: chr2-15415733-G-A.
Other names: p.Pro1867Ser; c.5599C>T (NM_015909.3, NM_015909.2); short protein forms P1867S.
Identifiers: ClinVar variation 1435384 (VCV001435384.8), dbSNP rs149044964, ClinGen allele CA1535262.

ClinVar aggregate classification (germline): Conflicting classifications of pathogenicity. Review status: criteria provided, conflicting classifications (1 of 4 stars). 4 submissions from 4 submitters: Uncertain significance (3); Likely benign (1). Last evaluated 2025-08-15.

Conditions:
Inborn genetic diseases. Identifiers: MedGen C0950123, MeSH D030342.

Allele frequency attached by ClinVar (database versions not stated): gnomAD exomes 0.00001 and 0.00003; ExAC 0.00006; ESP Exome Variant Server 0.00008; gnomAD 0.00015; TOPMed 0.00017; 1000 Genomes Project 0.00040; 1000 Genomes Project 30x 0.00047.
gnomAD v4.1: 40 of 1,614,162 alleles (0.0025%); highest among the groups gnomAD compares: African/African-American, 0.04%; no homozygotes.

Submissions (4):

Labcorp Genetics (formerly Invitae), Labcorp
Classification: Likely benign. Last evaluated: 2025-08-15. Review status: criteria provided, single submitter. Criteria: Invitae Variant Classification Sherloc (09022015). Collection method: clinical testing. Allele origin: germline.

Ambry Genetics
Classification: Uncertain significance for Inborn genetic diseases. Last evaluated: 2025-05-28. Review status: criteria provided, single submitter. Criteria: Ambry Variant Classification Scheme 2023. Collection method: clinical testing. Allele origin: germline.

GeneDx
Classification: Uncertain significance. Last evaluated: 2024-08-14. Review status: criteria provided, single submitter. Criteria: GeneDx Variant Classification Process June 2021. Collection method: clinical testing. Allele origin: germline. Affected: yes.
Comment: In silico analysis supports that this missense variant has a deleterious effect on protein structure/function; Has not been previously published as pathogenic or benign to our knowledge

Mayo Clinic Laboratories, Mayo Clinic
Classification: Uncertain significance. Last evaluated: 2024-07-16. Review status: criteria provided, single submitter. Criteria: ACMG Guidelines, 2015. Collection method: clinical testing. Allele origin: germline. Observed: 2 variant alleles.